The following is an entry in ClinVar:

ClinVar aggregate classification (germline): Uncertain significance (1 of 4 stars; one submission).

Submission:

Labcorp Genetics (formerly Invitae), Labcorp
Classification: Uncertain significance. Last evaluated: 2022-06-09. Review status: criteria provided, single submitter. Criteria: Invitae Variant Classification Sherloc (09022015). Collection method: clinical testing. Allele origin: germline.
Comment: In summary, the available evidence is currently insufficient to determine the role of this variant in disease. Therefore, it has been classified as a Variant of Uncertain Significance. Algorithms developed to predict the effect of missense changes on protein structure and function (SIFT, PolyPhen-2, Align-GVGD) all suggest that this variant is likely to be disruptive. This variant has not been reported in the literature in individuals affected with NEXMIF-related conditions. This variant is not present in population databases (gnomAD no frequency). This sequence change replaces threonine, which is neutral and polar, with isoleucine, which is neutral and non-polar, at codon 145 of the NEXMIF protein (p.Thr145Ile).

NM_001008537.3(NEXMIF):c.434C>T (p.Thr145Ile)

Gene: NEXMIF (neurite extension and migration factor; minus strand). Cytogenetic location: Xq13.3.
Variant type: single nucleotide variant.
Coding change: c.434C>T on transcript NM_001008537.3 (MANE Select); coding-DNA position 434, C replaced by T.
Protein change: p.Thr145Ile; replaces threonine 145 with isoleucine.
Molecular consequence: missense variant.
Genome position (GRCh38, 1-based): chrX:74,744,123, G>A on the plus strand (C>T on the coding strand, the complement: NEXMIF is on the minus strand). VCF-style: chrX-74744123-G-A. GRCh37 (hg19) VCF-style: chrX-73963958-G-A.
Other names: short protein forms T145I.
Identifiers: ClinVar variation 2118549 (VCV002118549.4), dbSNP rs2519916685, ClinGen allele CA413673382.
Genomic context (GRCh38, chrX:74,744,123, plus strand): 5'-AGACTGATCCCTGGCTCAGGATCTACTGCATCCTTGGATTCCATGAAGCAGCCTAAGCAA[G>A]TCCGACTTGGCTGCATGAGACAGTCCCCATTCAGAGCTGACATGCCTGCAGGCTCCATTA-3'
Protein context (NP_001008537.1, residues 135-155): NGDCLMQPSR[Thr145Ile]CLGCFMESKD